The following is an entry in ClinVar:

ClinVar aggregate classification (germline): Uncertain significance (1 of 4 stars; one submission).

Submission:

Labcorp Genetics (formerly Invitae), Labcorp
Classification: Uncertain significance. Last evaluated: 2021-08-28. Review status: criteria provided, single submitter. Criteria: Invitae Variant Classification Sherloc (09022015). Collection method: clinical testing. Allele origin: germline.
Comment: This sequence change replaces arginine with proline at codon 427 of the CYP21A2 protein (p.Arg427Pro). The arginine residue is highly conserved and there is a moderate physicochemical difference between arginine and proline. The frequency data for this variant in the population databases (ExAC) is considered unreliable due to the presence of homologous sequence, such as pseudogenes or paralogs, in the genome. This missense change has been observed in individual(s) with clinical features of non-classic congenital adrenal hyperplasia due to 21-hydroxylase deficiency (PMID: 20926536). This variant is also known as R426P. Advanced modeling of protein sequence and biophysical properties (such as structural, functional, and spatial information, amino acid conservation, physicochemical variation, residue mobility, and thermodynamic stability) performed at Invitae indicates that this missense variant is expected to disrupt CYP21A2 protein function. This variant disrupts the p.Arg427 amino acid residue in CYP21A2. Other variant(s) that disrupt this residue have been determined to be pathogenic (PMID: 16984992, 20926536, 21198393, 29266270). This suggests that this residue is clinically significant, and that variants that disrupt this residue are likely to be disease-causing. In summary, the available evidence is currently insufficient to determine the role of this variant in disease. Therefore, it has been classified as a Variant of Uncertain Significance.

Literature cited by the submitters: PubMed 20926536; PubMed 16984992; PubMed 21198393; PubMed 29266270.

NM_000500.9(CYP21A2):c.1280G>C (p.Arg427Pro)

Genes: CYP21A2 (cytochrome P450 family 21 subfamily A member 2; plus strand), LOC106780800 (CYP21A2 recombination region; plus strand). Cytogenetic location: 6p21.33.
Variant type: single nucleotide variant.
Coding change: c.1280G>C on transcript NM_000500.9 (MANE Select); coding-DNA position 1280, G replaced by C.
Protein change: p.Arg427Pro; replaces arginine 427 with proline.
Molecular consequence: missense variant.
Genome position (GRCh38, 1-based): chr6:32,040,926, G>C. VCF-style: chr6-32040926-G-C. GRCh37 (hg19) VCF-style: chr6-32008703-G-C.
Other names: c.1190G>C, p.Arg397Pro (NM_001128590.4); c.875G>C, p.Arg292Pro (NM_001368143.2, NM_001368144.2); short protein forms R292P, R397P, R427P.
Identifiers: ClinVar variation 2136375 (VCV002136375.1), dbSNP rs151344504, ClinGen allele CA363511963.